The following is an entry in ClinVar:

NM_213622.4(STAMBP):c.1231G>A (p.Val411Met)

Gene: STAMBP (STAM binding protein; plus strand). Cytogenetic location: 2p13.1.
Variant type: single nucleotide variant.
Coding change: c.1231G>A on transcript NM_213622.4 (MANE Select); coding-DNA position 1231, G replaced by A.
Protein change: p.Val411Met; replaces valine 411 with methionine.
Molecular consequence: missense variant. On other transcripts: 3 prime UTR variant (3), non-coding transcript variant (4).
Genome position (GRCh38, 1-based): chr2:73,862,215, G>A. VCF-style: chr2-73862215-G-A. GRCh37 (hg19) VCF-style: chr2-74089342-G-A.
Other names: c.1231G>A, p.Val411Met (NM_001353967.2, NM_001353968.2, NM_006463.6 and 1 more transcripts); c.*54G>A (NM_001353969.2, NM_001353970.2, NM_001353976.2); c.826G>A, p.Val276Met (NM_001353971.2, NM_001353972.2, NM_001353973.2 and 2 more transcripts); short protein forms V411M, V276M.
Identifiers: ClinVar variation 1938682 (VCV001938682.4), dbSNP rs538751950, ClinGen allele CA1717761.

ClinVar aggregate classification (germline): Uncertain significance (1 of 4 stars; one submission).

Allele frequency attached by ClinVar (database versions not stated): ExAC 0.00002; TOPMed 0.00003; gnomAD 0.00006; 1000 Genomes Project 0.00040; 1000 Genomes Project 30x 0.00047.
gnomAD v4.1: 35 of 1,606,816 alleles (0.0022%); highest among the groups gnomAD compares: East Asian, 0.013%; no homozygotes.

Submission:

Labcorp Genetics (formerly Invitae), Labcorp
Classification: Uncertain significance. Last evaluated: 2026-01-05. Review status: criteria provided, single submitter. Criteria: Invitae Variant Classification Sherloc (09022015). Collection method: clinical testing. Allele origin: germline.
Comment: This sequence change replaces valine, which is neutral and non-polar, with methionine, which is neutral and non-polar, at codon 411 of the STAMBP protein (p.Val411Met). This variant is present in population databases (rs538751950, gnomAD 0.01%). This variant has not been reported in the literature in individuals affected with STAMBP-related conditions. ClinVar contains an entry for this variant (Variation ID: 1938682). Invitae Evidence Modeling of protein sequence and biophysical properties (such as structural, functional, and spatial information, amino acid conservation, physicochemical variation, residue mobility, and thermodynamic stability) has been performed for this missense variant. However, the output from this modeling did not meet the statistical confidence thresholds required to predict the impact of this variant on STAMBP protein function. In summary, the available evidence is currently insufficient to determine the role of this variant in disease. Therefore, it has been classified as a Variant of Uncertain Significance.